The following is an entry in ClinVar:

NM_001368894.2(PAX6):c.1199T>C (p.Met400Thr)

Gene: PAX6 (paired box 6; minus strand). Cytogenetic location: 11p13.
Variant type: single nucleotide variant.
Coding change: c.1199T>C on transcript NM_001368894.2 (MANE Select); coding-DNA position 1199, T replaced by C.
Protein change: p.Met400Thr; replaces methionine 400 with threonine.
Molecular consequence: missense variant. On other transcripts: intron variant (9), non-coding transcript variant (1).
Genome position (GRCh38, 1-based): chr11:31,790,736, A>G on the plus strand (T>C on the coding strand, the complement: PAX6 is on the minus strand). VCF-style: chr11-31790736-A-G. GRCh37 (hg19) VCF-style: chr11-31812284-A-G.
Other names: c.749T>C, p.Met250Thr (NM_001368899.2, NM_001368900.2, NM_001368901.2 and 10 more transcripts); c.1157T>C, p.Met386Thr (NM_001368887.2, NM_001368888.2, NM_001368889.2 and 6 more transcripts); c.1199T>C, p.Met400Thr (NM_001368892.2, NM_001368893.2, NM_001258462.3 and 3 more transcripts); c.1400T>C, p.Met467Thr (NM_001368910.2); c.1274T>C, p.Met425Thr (NM_001368918.2, NM_001368919.2); c.1232T>C, p.Met411Thr (NM_001368920.2); c.998T>C, p.Met333Thr (NM_001368922.2, NM_001368923.2, NM_001368924.2 and 3 more transcripts); c.1033-717T>C (NM_001368916.2, NM_001368915.2, NM_001368917.2); and 6 more; short protein forms M185T, M250T, M319T, M333T, M386T, M400T, M411T, M425T.
Identifiers: ClinVar variation 4536869 (VCV004536869.1).
Genomic context (GRCh38, chr11:31,790,736, plus strand): 5'-GCCTCTGTGCAGCCTGCAGAAAGCAGTGGCTCACCTGTTGAAGTGGTGCCCGAGGTGCCC[A>G]TTGGCTGACTGTTCATGTGTGTCTGCATATGTGGGGGGGTGTAGGTATCATAACTCCGCC-3'
Protein context (NP_001355823.1, residues 390-410): HMQTHMNSQP[Met400Thr]GTSGTTSTGL

ClinVar aggregate classification (germline): Uncertain significance (1 of 4 stars; one submission).

Submission:

Women's Health and Genetics/Laboratory Corporation of America, LabCorp
Classification: Uncertain significance. Last evaluated: 2025-11-11. Review status: criteria provided, single submitter. Criteria: LabCorp Variant Classification Summary - May 2015. Collection method: clinical testing. Allele origin: germline.
Comment: Variant summary: PAX6 c.1157T>C (p.Met386Thr) results in a non-conservative amino acid change in the encoded protein sequence. Algorithms developed to predict the effect of missense changes on protein structure and function all suggest that this variant is likely to be disruptive. The variant allele was found at a frequency of 4e-06 in 251420 control chromosomes. The available data on variant occurrences in the general population are insufficient to allow any conclusion about variant significance. To our knowledge, no occurrence of c.1157T>C in individuals affected with PAX6-related conditions and no experimental evidence demonstrating its impact on protein function have been reported. No submitters have cited clinical-significance assessments for this variant to ClinVar. Based on the evidence outlined above, the variant was classified as uncertain significance.